The following is an entry in ClinVar:

ClinVar aggregate classification (germline): Pathogenic (1 of 4 stars; one submission).

Submission:

Labcorp Genetics (formerly Invitae), Labcorp
Classification: Pathogenic. Last evaluated: 2024-02-23. Review status: criteria provided, single submitter. Criteria: Invitae Variant Classification Sherloc (09022015). Collection method: clinical testing. Allele origin: germline.
Comment: This sequence change creates a premature translational stop signal (p.Phe1802Serfs*30) in the MPDZ gene. It is expected to result in an absent or disrupted protein product. Loss-of-function variants in MPDZ are known to be pathogenic (PMID: 23240096, 28556411). This variant is not present in population databases (gnomAD no frequency). This variant has not been reported in the literature in individuals affected with MPDZ-related conditions. ClinVar contains an entry for this variant (Variation ID: 1454932). For these reasons, this variant has been classified as Pathogenic.

Literature cited by the submitters: PubMed 23240096; PubMed 28556411.

NM_001378778.1(MPDZ):c.5492del (p.Phe1831fs)

Gene: MPDZ (multiple PDZ domain crumbs cell polarity complex component; minus strand). Cytogenetic location: 9p23.
Variant type: Deletion.
Coding change: c.5492del on transcript NM_001378778.1 (MANE Select); coding-DNA position 5492, one base deleted (T; older notation c.5492delT).
Protein change: p.Phe1831fs; shifts the reading frame from phenylalanine 1831.
Molecular consequence: frameshift variant.
Genome position (GRCh38, 1-based): chr9:13,113,996, A deleted on the plus strand (T on the coding strand, the reverse complement: MPDZ is on the minus strand); the first of 3 consecutive A bases (chr9:13,113,996-13,113,998); deleting any one gives the same sequence. VCF-style (leftmost placement, unchanged base first): chr9-13113995-GA-G. GRCh37 (hg19) VCF-style: chr9-13113994-GA-G.
Other names: c.5591del, p.Phe1864fs (NM_001375413.1); c.5393del, p.Phe1798fs (NM_001375416.1, NM_001261406.2, NM_001375417.1 and 1 more transcripts); c.5306del, p.Phe1769fs (NM_001261407.2, NM_001375419.1); c.5492del, p.Phe1831fs (NM_001330637.2); c.5282del, p.Phe1761fs (NM_001375420.1, NM_001375421.1, NM_001375422.1 and 2 more transcripts); c.5195del, p.Phe1732fs (NM_001375425.1, NM_001375426.1); c.5084del, p.Phe1695fs (NM_001375427.1); c.5405del, p.Phe1802fs (NM_003829.5); short protein forms F1761fs, F1864fs, F1798fs, F1802fs, F1695fs, F1732fs, F1769fs, F1831fs.
Identifiers: ClinVar variation 1454932 (VCV001454932.6), dbSNP rs1942945941, ClinGen allele CA1121443313.
Genomic context (GRCh38, chr9:13,113,995, plus strand): 5'-ATTCTTCTTTGAGCTACTTTCCAGTGACTCAGATGTACTGGATCCAGAGAGTGGAAAAGT[GA>G]AAGATGACAGGCTGCCTTCACTCACCTACAAATATACAACAATTATTTCAGAAGGTTTTG-3'